The following is an entry in ClinVar:

NM_033380.3(COL4A5):c.4087+1G>C

Gene: COL4A5 (collagen type IV alpha 5 chain; plus strand). Cytogenetic location: Xq22.3.
Variant type: single nucleotide variant.
Coding change: c.4087+1G>C on transcript NM_033380.3 (MANE Select); the canonical splice donor site of the intron after coding-DNA position 4087, G replaced by C.
Molecular consequence: splice donor variant.
Genome position (GRCh38, 1-based): chrX:108,680,957, G>C. VCF-style: chrX-108680957-G-C. GRCh37 (hg19) VCF-style: chrX-107924187-G-C.
Other names: c.4069+1G>C (NM_000495.5).
Identifiers: ClinVar variation 2431735 (VCV002431735.2), dbSNP rs587776401, ClinGen allele CA10489285.

ClinVar aggregate classification (germline): Pathogenic/Likely pathogenic. Review status: criteria provided, multiple submitters, no conflicts (2 of 4 stars). 2 submissions from 2 submitters: Pathogenic (1); Likely pathogenic (1). Last evaluated 2025-08-01.

Conditions:
X-linked Alport syndrome (ATS1). Also called: NEPHROPATHY AND DEAFNESS, X-LINKED; COL4A5-Related Nephropathy. Identifiers: Orphanet 63, Orphanet 88917, MedGen C4746986, MONDO:0010520, OMIM 301050.

Allele frequency attached by ClinVar (database versions not stated): ExAC 0.00001.

Submissions (2):

Labcorp Genetics (formerly Invitae), Labcorp
Classification: Pathogenic. Last evaluated: 2025-08-01. Review status: criteria provided, single submitter. Criteria: Invitae Variant Classification Sherloc (09022015). Collection method: clinical testing. Allele origin: germline.
Comment: This sequence change affects a donor splice site in intron 44 of the COL4A5 gene. It is expected to disrupt RNA splicing. Variants that disrupt the donor or acceptor splice site typically lead to a loss of protein function (PMID: 16199547), and loss-of-function variants in COL4A5 are known to be pathogenic (PMID: 9195222, 10752524, 14514738, 24854265, 26809805). This variant is not present in population databases (gnomAD no frequency). Disruption of this splice site has been observed in individuals with Alport syndrome (PMID: 10094548, 31980082). ClinVar contains an entry for this variant (Variation ID: 2431735). Algorithms developed to predict the effect of sequence changes on RNA splicing suggest that this variant may disrupt the consensus splice site. For these reasons, this variant has been classified as Pathogenic.

Laboratorio de Genetica e Diagnostico Molecular, Hospital Israelita Albert Einstein
Classification: Likely pathogenic for X-linked Alport syndrome. Last evaluated: 2022-04-11. Review status: criteria provided, single submitter. Criteria: ACMG Guidelines, 2015. Collection method: clinical testing. Allele origin: germline. Affected: yes. Observed: 1 variant allele.
Comment: ACMG classification criteria: PVS1 strong, PS4 supporting, PM2 moderated

Literature cited by the submitters: PubMed 16199547 (cited by Labcorp Genetics (formerly Invitae), Labcorp); PubMed 9195222 (cited by Labcorp Genetics (formerly Invitae), Labcorp); PubMed 10752524 (cited by Labcorp Genetics (formerly Invitae), Labcorp); PubMed 14514738 (cited by Labcorp Genetics (formerly Invitae), Labcorp); PubMed 24854265 (cited by Labcorp Genetics (formerly Invitae), Labcorp); PubMed 26809805 (cited by Labcorp Genetics (formerly Invitae), Labcorp); PubMed 10094548 (cited by Labcorp Genetics (formerly Invitae), Labcorp); PubMed 31980082 (cited by Labcorp Genetics (formerly Invitae), Labcorp).